The following is an entry in ClinVar:

ClinVar aggregate classification (germline): Uncertain significance. Review status: criteria provided, multiple submitters, no conflicts (2 of 4 stars). 2 submissions from 2 submitters: Uncertain significance (2). Last evaluated 2024-03-07.

Conditions:
Diamond-Blackfan anemia 5 (DBA5). Also called: RPL35A-Related Diamond-Blackfan Anemia. Identifiers: Orphanet 124, MedGen C2675859, MONDO:0012925, OMIM 612528.

Allele frequency attached by ClinVar (database versions not stated): gnomAD exomes below 0.00001 and 0.00001; ExAC 0.00001; gnomAD 0.00001.
gnomAD v4.1: 3 of 1,613,998 alleles (0.00019%); highest among the groups gnomAD compares: African/African-American, 0.0013%; no homozygotes.

Submissions (2):

Fulgent Genetics
Classification: Uncertain significance for Diamond-Blackfan anemia 5. Last evaluated: 2024-03-07. Review status: criteria provided, single submitter. Criteria: ACMG Guidelines, 2015. Collection method: clinical testing. Allele origin: germline.

Labcorp Genetics (formerly Invitae), Labcorp
Classification: Uncertain significance for Diamond-Blackfan anemia 5. Last evaluated: 2024-01-17. Review status: criteria provided, single submitter. Criteria: Invitae Variant Classification Sherloc (09022015). Collection method: clinical testing. Allele origin: germline.
Comment: This sequence change replaces alanine, which is neutral and non-polar, with valine, which is neutral and non-polar, at codon 12 of the RPL35A protein (p.Ala12Val). This variant is present in population databases (rs780895868, gnomAD 0.009%). This variant has not been reported in the literature in individuals affected with RPL35A-related conditions. ClinVar contains an entry for this variant (Variation ID: 1407481). An algorithm developed to predict the effect of missense changes on protein structure and function (PolyPhen-2) suggests that this variant is likely to be tolerated. In summary, the available evidence is currently insufficient to determine the role of this variant in disease. Therefore, it has been classified as a Variant of Uncertain Significance.

NM_000996.4(RPL35A):c.35C>T (p.Ala12Val)

Genes: DRC9 (dynein regulatory complex subunit 9; minus strand), RPL35A (ribosomal protein L35a; plus strand). Cytogenetic location: 3q29.
Variant type: single nucleotide variant.
Coding change: c.35C>T on transcript NM_000996.4 (MANE Select); coding-DNA position 35, C replaced by T.
Protein change: p.Ala12Val; replaces alanine 12 with valine.
Molecular consequence: missense variant. On other transcripts: intron variant (3).
Genome position (GRCh38, 1-based): chr3:197,951,182, C>T. VCF-style: chr3-197951182-C-T. GRCh37 (hg19) VCF-style: chr3-197678053-C-T.
Other names: c.35C>T, p.Ala12Val (NM_001316311.2); c.-49-7131G>A (NM_001323028.2); c.-59-5496G>A (NM_032263.5); c.-374-5496G>A (NM_001323029.2); short protein forms A12V.
Identifiers: ClinVar variation 1407481 (VCV001407481.7), dbSNP rs780895868, ClinGen allele CA2789163.